The following is an entry in ClinVar:

ClinVar aggregate classification (germline): Likely benign (1 of 4 stars; one submission).

gnomAD v4.1: 1 of 1,614,166 alleles (0.000062%); highest among the groups gnomAD compares: African/African-American, 0.0013%; no homozygotes.

Submission:

CeGaT Center for Human Genetics Tuebingen
Classification: Likely benign. Last evaluated: 2026-06-01. Review status: criteria provided, single submitter. Criteria: CeGaT Center For Human Genetics Tuebingen Variant Classification Criteria Version 2. Collection method: clinical testing. Allele origin: germline. Affected: yes. Observed: 1 variant allele.
Comment: ATP7B: BP4, BP7

NM_000053.4(ATP7B):c.4227G>A (p.Arg1409=)

Gene: ATP7B (ATPase copper transporting beta; minus strand). Cytogenetic location: 13q14.3.
Variant type: single nucleotide variant.
Coding change: c.4227G>A on transcript NM_000053.4 (MANE Select); coding-DNA position 4227, G replaced by A.
Protein change: p.Arg1409=; no amino-acid change (arginine 1409 retained).
Molecular consequence: synonymous variant.
Genome position (GRCh38, 1-based): chr13:51,934,927, C>T on the plus strand (G>A on the coding strand, the complement: ATP7B is on the minus strand). VCF-style: chr13-51934927-C-T. GRCh37 (hg19) VCF-style: chr13-52509063-C-T.
Other names: c.3606G>A, p.Arg1202= (NM_001005918.3); c.3894G>A, p.Arg1298= (NM_001243182.2); c.3993G>A, p.Arg1331= (NM_001330578.2, NM_001406527.1, NM_001406528.1); c.3975G>A, p.Arg1325= (NM_001330579.2, NM_001406531.1, NM_001406532.1); c.4227G>A, p.Arg1409= (NM_001406511.1, NM_001406512.1); c.4221G>A, p.Arg1407= (NM_001406513.1); c.4194G>A, p.Arg1398= (NM_001406514.1); c.4173G>A, p.Arg1391= (NM_001406515.1, NM_001406516.1); and 21 more.
Identifiers: ClinVar variation 4875132 (VCV004875132.2).
Genomic context (GRCh38, chr13:51,934,927, plus strand): 5'-CGACACCTGGCTGACATAGCTGACCTGGTCCCATGGTGTGGCCCTGGGGGAGTCCCGCCA[C>T]CTGTCATCCATGCCTATGTGCACACTGACCTGGGATGCCGTCAGGGGCTTCATGTGGCCA-3'
Protein context (NP_000044.2, residues 1399-1419): QVSVHIGMDD[Arg1409=]WRDSPRATPW